The following is an entry in ClinVar:

ClinVar aggregate classification (germline): Likely benign. Review status: criteria provided, multiple submitters, no conflicts (2 of 4 stars). 4 submissions from 4 submitters: Likely benign (3). 1 of the submissions does not count toward it. Last evaluated 2026-01-28.

Conditions:
Cardiovascular phenotype. Identifiers: MedGen CN230736.
Dilated cardiomyopathy 1KK (CMD1KK). Identifiers: Orphanet 154, Orphanet 75249, MedGen C3714995, MONDO:0014100, OMIM 615248.
MYPN-related disorder. Also called: MYPN-related condition.

Allele frequency attached by ClinVar (database versions not stated): ExAC 0.00003; gnomAD 0.00005; 1000 Genomes Project 30x 0.00031; 1000 Genomes Project 0.00040.
gnomAD v4.1: 51 of 1,614,206 alleles (0.0032%); highest among the groups gnomAD compares: Non-Finnish European, 0.0038%; no homozygotes.

Submissions (4):

Labcorp Genetics (formerly Invitae), Labcorp
Classification: Likely benign for Dilated cardiomyopathy 1KK. Last evaluated: 2026-01-28. Review status: criteria provided, single submitter. Criteria: Invitae Variant Classification Sherloc (09022015). Collection method: clinical testing. Allele origin: germline.

Blueprint Genetics
Classification: Likely benign. Last evaluated: 2023-04-21. Review status: criteria provided, single submitter. Criteria: ACMG Guidelines, 2015. Collection method: clinical testing. Allele origin: germline.

Ambry Genetics
Classification: Likely benign for Cardiovascular phenotype. Last evaluated: 2021-05-07. Review status: criteria provided, single submitter. Criteria: Ambry Variant Classification Scheme 2023. Collection method: clinical testing. Allele origin: germline.

PreventionGenetics, part of Exact Sciences
Classification: Likely benign for MYPN-related condition. Last evaluated: 2022-02-23. Review status: no assertion criteria provided. Collection method: clinical testing. Allele origin: germline. Not counted in ClinVar's aggregate classification.
Comment: This variant is classified as likely benign based on ACMG/AMP sequence variant interpretation guidelines (Richards et al. 2015 PMID: 25741868, with internal and published modifications).

NM_032578.4(MYPN):c.3735G>A (p.Thr1245=)

Gene: MYPN (myopalladin; plus strand). Cytogenetic location: 10q21.3.
Variant type: single nucleotide variant.
Coding change: c.3735G>A on transcript NM_032578.4 (MANE Select); coding-DNA position 3735, G replaced by A.
Protein change: p.Thr1245=; no amino-acid change (threonine 1245 retained).
Molecular consequence: synonymous variant. On other transcripts: non-coding transcript variant (2).
Genome position (GRCh38, 1-based): chr10:68,206,845, G>A. VCF-style: chr10-68206845-G-A. GRCh37 (hg19) VCF-style: chr10-69966602-G-A.
Other names: c.3735G>A, p.Thr1245= (NM_001256267.2); c.2853G>A, p.Thr951= (NM_001256268.2).
Identifiers: ClinVar variation 1734418 (VCV001734418.10), dbSNP rs184347775, ClinGen allele CA5523134.